The following is an entry in ClinVar:

ClinVar aggregate classification (germline): Likely benign. Review status: criteria provided, single submitter (1 of 4 stars). 2 submissions from 2 submitters: Likely benign (1). 1 of the submissions does not count toward it. Last evaluated 2025-12-16.

Conditions:
MESP2-related disorder. Also called: MESP2-related condition.

Allele frequency attached by ClinVar (database versions not stated): gnomAD exomes 0.00003.
gnomAD v4.1: 55 of 1,515,962 alleles (0.0036%); highest among the groups gnomAD compares: Middle Eastern, 0.058%; no homozygotes.

Submissions (2):

Labcorp Genetics (formerly Invitae), Labcorp
Classification: Likely benign. Last evaluated: 2025-12-16. Review status: criteria provided, single submitter. Criteria: Invitae Variant Classification Sherloc (09022015). Collection method: clinical testing. Allele origin: germline.

PreventionGenetics, part of Exact Sciences
Classification: Likely benign for MESP2-related condition. Last evaluated: 2019-08-09. Review status: no assertion criteria provided. Collection method: clinical testing. Allele origin: germline. Not counted in ClinVar's aggregate classification.
Comment: This variant is classified as likely benign based on ACMG/AMP sequence variant interpretation guidelines (Richards et al. 2015 PMID: 25741868, with internal and published modifications).

NM_001039958.2(MESP2):c.591G>A (p.Gly197=)

Gene: MESP2 (mesoderm posterior bHLH transcription factor 2; plus strand). Cytogenetic location: 15q26.1.
Variant type: single nucleotide variant.
Coding change: c.591G>A on transcript NM_001039958.2 (MANE Select); coding-DNA position 591, G replaced by A.
Protein change: p.Gly197=; no amino-acid change (glycine 197 retained).
Molecular consequence: synonymous variant.
Genome position (GRCh38, 1-based): chr15:89,776,948, G>A. VCF-style: chr15-89776948-G-A. GRCh37 (hg19) VCF-style: chr15-90320179-G-A.
Other names: c.591G>A (NM_001039958.1).
Identifiers: ClinVar variation 1106338 (VCV001106338.11), dbSNP rs754567634, ClinGen allele CA7730464.
Genomic context (GRCh38, chr15:89,776,948, plus strand): 5'-GGAGGGGCAGGGGCAAGGGCAGGGGCAGGGGCAGGGGCAAGGGCAGGGGCAAGGACAGGG[G>A]CAAGGACAGGGGCAAGGGCAGGGGCGCAGGCCGGGCCTGGTCTCCGCCGTCCTCGCCGAG-3'
Protein context (NP_001035047.1, residues 187-207): GQGQGQGQGQ[Gly197=]QGQGQGQGRR